The following is an entry in ClinVar:

ClinVar aggregate classification (germline): Uncertain significance (1 of 4 stars; one submission).

Conditions:
Developmental and epileptic encephalopathy 94 (DEE94). Also called: CHD2-Related Neurodevelopmental Disorders; Epileptic encephalopathy, childhood-onset. Identifiers: Orphanet 1942, Orphanet 2382, MedGen C3809278, MONDO:0014150, OMIM 615369.

Allele frequency attached by ClinVar (database versions not stated): gnomAD exomes below 0.00001 and 0.00002; gnomAD 0.00001; TOPMed 0.00002.
gnomAD v4.1: 37 of 1,613,972 alleles (0.0023%); highest among the groups gnomAD compares: Non-Finnish European, 0.0027%; no homozygotes.

Submission:

Labcorp Genetics (formerly Invitae), Labcorp
Classification: Uncertain significance for Developmental and epileptic encephalopathy 94. Last evaluated: 2025-07-06. Review status: criteria provided, single submitter. Criteria: Invitae Variant Classification Sherloc (09022015). Collection method: clinical testing. Allele origin: germline.
Comment: This sequence change replaces arginine, which is basic and polar, with glutamine, which is neutral and polar, at codon 1710 of the CHD2 protein (p.Arg1710Gln). This variant is present in population databases (rs762575438, gnomAD 0.006%). This missense change has been observed in individual(s) with clinical features of CHD2-related conditions (PMID: 28191889). This variant is also known as p.Arg1708Gln, p.Arg1723Gln. ClinVar contains an entry for this variant (Variation ID: 1389156). Invitae Evidence Modeling of protein sequence and biophysical properties (such as structural, functional, and spatial information, amino acid conservation, physicochemical variation, residue mobility, and thermodynamic stability) indicates that this missense variant is not expected to disrupt CHD2 protein function with a negative predictive value of 95%. In summary, the available evidence is currently insufficient to determine the role of this variant in disease. Therefore, it has been classified as a Variant of Uncertain Significance.

Literature cited by the submitters: PubMed 28191889.

NM_001271.4(CHD2):c.5129G>A (p.Arg1710Gln)

Gene: CHD2 (chromodomain helicase DNA binding protein 2; plus strand). Cytogenetic location: 15q26.1.
Variant type: single nucleotide variant.
Coding change: c.5129G>A on transcript NM_001271.4 (MANE Select); coding-DNA position 5129, G replaced by A.
Protein change: p.Arg1710Gln; replaces arginine 1710 with glutamine.
Molecular consequence: missense variant.
Genome position (GRCh38, 1-based): chr15:93,020,234, G>A. VCF-style: chr15-93020234-G-A. GRCh37 (hg19) VCF-style: chr15-93563464-G-A.
Other names: short protein forms R1710Q.
Identifiers: ClinVar variation 1389156 (VCV001389156.6), dbSNP rs762575438, ClinGen allele CA274888457.